The following is an entry in ClinVar:

NM_005121.3(MED13):c.866A>G (p.Asp289Gly)

Gene: MED13 (mediator complex subunit 13; minus strand). Cytogenetic location: 17q23.2.
Variant type: single nucleotide variant.
Coding change: c.866A>G on transcript NM_005121.3 (MANE Select); coding-DNA position 866, A replaced by G.
Protein change: p.Asp289Gly; replaces aspartic acid 289 with glycine.
Molecular consequence: missense variant.
Genome position (GRCh38, 1-based): chr17:62,031,587, T>C on the plus strand (A>G on the coding strand, the complement: MED13 is on the minus strand). VCF-style: chr17-62031587-T-C. GRCh37 (hg19) VCF-style: chr17-60108948-T-C.
Other names: short protein forms D289G.
Identifiers: ClinVar variation 3394542 (VCV003394542.2).

ClinVar aggregate classification (germline): Conflicting classifications of pathogenicity. Review status: criteria provided, conflicting classifications (1 of 4 stars). 2 submissions from 2 submitters: Uncertain significance (1); Likely benign (1). Last evaluated 2026-03-09.

Conditions:
Inborn genetic diseases. Identifiers: MedGen C0950123, MeSH D030342.
Intellectual developmental disorder 61. Also called: INTELLECTUAL DEVELOPMENTAL DISORDER, AUTOSOMAL DOMINANT 61; MENTAL RETARDATION, AUTOSOMAL DOMINANT 61. Identifiers: MedGen C5231400, MONDO:0032485, OMIM 618009.

gnomAD v4.1: 2 of 1,613,030 alleles (0.00012%); highest among the groups gnomAD compares: South Asian, 0.0022%; no homozygotes.

Submissions (2):

Centre for Medical Genetics,  Mumbai
Classification: Likely benign for Intellectual developmental disorder 61. Last evaluated: 2026-03-09. Review status: criteria provided, single submitter. Criteria: ACMG Guidelines, 2015. Collection method: provider interpretation. Allele origin: germline. Inheritance: Autosomal dominant inheritance. Affected: no. Observed: 1 variant allele, 1 heterozygote.
Comment: The variant satisfies PM2 criteria; Extremely low frequency in gnomAD population databases. The variant satisfies PP3 criteria; For a missense or a splicing region variant, computational prediction tools unanimously support a deleterious effect on the gene. However, the variant satisfies BS2 criteria.

Ambry Genetics
Classification: Uncertain significance for Inborn genetic diseases. Last evaluated: 2024-10-12. Review status: criteria provided, single submitter. Criteria: Ambry Variant Classification Scheme 2023. Collection method: clinical testing. Allele origin: germline.

Literature cited by the submitters: PubMed 29740699 (cited by Centre for Medical Genetics,  Mumbai).